The following is an entry in ClinVar:

ClinVar aggregate classification (germline): Benign. Review status: criteria provided, single submitter (1 of 4 stars). 2 submissions from 2 submitters: Benign (1). 1 of the submissions does not count toward it. Last evaluated 2023-11-27.

Conditions:
ARID1B-Related Disorder. Identifiers: MedGen CN381337.

Allele frequency attached by ClinVar (database versions not stated): gnomAD 0.00003.
gnomAD v4.1: 27 of 1,322,002 alleles (0.002%); highest among the groups gnomAD compares: Middle Eastern, 0.025%; no homozygotes.

Submissions (2):

Labcorp Genetics (formerly Invitae), Labcorp
Classification: Benign. Last evaluated: 2023-11-27. Review status: criteria provided, single submitter. Criteria: Invitae Variant Classification Sherloc (09022015). Collection method: clinical testing. Allele origin: germline.

PreventionGenetics, part of Exact Sciences
Classification: Likely benign for ARID1B-related condition. Last evaluated: 2023-02-10. Review status: no assertion criteria provided. Collection method: clinical testing. Allele origin: germline. Not counted in ClinVar's aggregate classification.
Comment: This variant is classified as likely benign based on ACMG/AMP sequence variant interpretation guidelines (Richards et al. 2015 PMID: 25741868, with internal and published modifications).

NM_001374828.1(ARID1B):c.1244G>C (p.Gly415Ala)

Gene: ARID1B (AT-rich interaction domain 1B; plus strand). Cytogenetic location: 6q25.3.
Variant type: single nucleotide variant.
Coding change: c.1244G>C on transcript NM_001374828.1 (MANE Select); coding-DNA position 1244, G replaced by C.
Protein change: p.Gly415Ala; replaces glycine 415 with alanine.
Molecular consequence: missense variant.
Genome position (GRCh38, 1-based): chr6:156,778,924, G>C. VCF-style: chr6-156778924-G-C. GRCh37 (hg19) VCF-style: chr6-157100058-G-C.
Other names: c.995G>C, p.Gly332Ala (NM_001346813.1, NM_020732.3); c.1244G>C, p.Gly415Ala (NM_001371656.1, NM_001374820.1, NM_017519.3); c.821G>C, p.Gly274Ala (NM_175863.2); short protein forms G274A, G332A, G415A.
Identifiers: ClinVar variation 2716828 (VCV002716828.5), dbSNP rs1354950320, ClinGen allele CA366383704.